The following is an entry in ClinVar:

NM_032856.5(WDR73):c.745C>T (p.Arg249Cys)

Gene: WDR73 (WD repeat domain 73; minus strand). Cytogenetic location: 15q25.2.
Variant type: single nucleotide variant.
Coding change: c.745C>T on transcript NM_032856.5 (MANE Select); coding-DNA position 745, C replaced by T.
Protein change: p.Arg249Cys; replaces arginine 249 with cysteine.
Molecular consequence: missense variant. On other transcripts: non-coding transcript variant (4).
Genome position (GRCh38, 1-based): chr15:84,645,609, G>A on the plus strand (C>T on the coding strand, the complement: WDR73 is on the minus strand). VCF-style: chr15-84645609-G-A. GRCh37 (hg19) VCF-style: chr15-85188840-G-A.
Other names: c.745C>T (NM_032856.2); short protein forms R249C.
Identifiers: ClinVar variation 2438584 (VCV002438584.6), dbSNP rs375811228, ClinGen allele CA7707261.

ClinVar aggregate classification (germline): Conflicting classifications of pathogenicity. Review status: criteria provided, conflicting classifications (1 of 4 stars). 3 submissions from 3 submitters: Uncertain significance (2); Likely benign (1). Last evaluated 2025-06-12.

Conditions:
Inborn genetic diseases. Identifiers: MedGen C0950123, MeSH D030342.
Galloway-Mowat syndrome 1 (GAMOS1). Identifiers: Orphanet 2065, Orphanet 83472, MedGen C4551772, MONDO:0033005, OMIM 251300.

Allele frequency attached by ClinVar (database versions not stated): gnomAD exomes 0.00002; ExAC 0.00004; gnomAD 0.00005; TOPMed 0.00005; ESP Exome Variant Server 0.00008.
gnomAD v4.1: 37 of 1,609,034 alleles (0.0023%); highest among the groups gnomAD compares: East Asian, 0.0067%; no homozygotes.

Submissions (3):

Labcorp Genetics (formerly Invitae), Labcorp
Classification: Uncertain significance. Last evaluated: 2025-06-12. Review status: criteria provided, single submitter. Criteria: Invitae Variant Classification Sherloc (09022015). Collection method: clinical testing. Allele origin: germline.
Comment: This sequence change replaces arginine, which is basic and polar, with cysteine, which is neutral and slightly polar, at codon 249 of the WDR73 protein (p.Arg249Cys). This variant is present in population databases (rs375811228, gnomAD 0.009%). This variant has not been reported in the literature in individuals affected with WDR73-related conditions. ClinVar contains an entry for this variant (Variation ID: 2438584). Invitae Evidence Modeling of protein sequence and biophysical properties (such as structural, functional, and spatial information, amino acid conservation, physicochemical variation, residue mobility, and thermodynamic stability) indicates that this missense variant is not expected to disrupt WDR73 protein function with a negative predictive value of 80%. In summary, the available evidence is currently insufficient to determine the role of this variant in disease. Therefore, it has been classified as a Variant of Uncertain Significance.

Ambry Genetics
Classification: Likely benign for Inborn genetic diseases. Last evaluated: 2025-03-07. Review status: criteria provided, single submitter. Criteria: Ambry Variant Classification Scheme 2023. Collection method: clinical testing. Allele origin: germline.

Revvity Omics, Revvity
Classification: Uncertain significance for Galloway-Mowat syndrome 1. Last evaluated: 2021-05-10. Review status: criteria provided, single submitter. Criteria: ACMG Guidelines, 2015. Collection method: clinical testing. Allele origin: germline.